The following is an entry in ClinVar:

NM_000551.4(VHL):c.340+715T>G

Genes: VHL (von Hippel-Lindau tumor suppressor; plus strand), LOC107303340 (3p25 von Hippel-Lindau tumor suppressor, E3 ubiquitin protein ligase Alu-mediated recombination region; plus strand). Cytogenetic location: 3p25.3.
Variant type: single nucleotide variant.
Coding change: c.340+715T>G on transcript NM_000551.4 (MANE Select); 715 bases into the intron after coding-DNA position 340, T replaced by G.
Molecular consequence: intron variant. On other transcripts: synonymous variant (1).
Genome position (GRCh38, 1-based): chr3:10,142,902, T>G. VCF-style: chr3-10142902-T-G. GRCh37 (hg19) VCF-style: chr3-10184586-T-G.
Other names: c.480T>G, p.Arg160= (NM_001354723.2); c.340+715T>G (NM_198156.3).
Identifiers: ClinVar variation 1380261 (VCV001380261.6), dbSNP rs2125126018, ClinGen allele CA2573136121.

ClinVar aggregate classification (germline): Uncertain significance (1 of 4 stars; one submission).

Conditions:
Chuvash polycythemia. Also called: POLYCYTHEMIA, VHL-DEPENDENT. Identifiers: Orphanet 238557, MedGen C1837915, MONDO:0009892, OMIM 263400.
Von Hippel-Lindau syndrome (VHLS). Also called: Von Hippel-Lindau; von Hippel–Lindau syndrome; VHL syndrome. Identifiers: Orphanet 892, MedGen C0019562, MONDO:0008667, OMIM 193300. Disease mechanism: loss of function.

Submission:

Labcorp Genetics (formerly Invitae), Labcorp
Classification: Uncertain significance for Von Hippel-Lindau syndrome; Chuvash polycythemia. Last evaluated: 2021-09-09. Review status: criteria provided, single submitter. Criteria: Invitae Variant Classification Sherloc (09022015). Collection method: clinical testing. Allele origin: germline.
Comment: In summary, the available evidence is currently insufficient to determine the role of this variant in disease. Therefore, it has been classified as a Variant of Uncertain Significance. Experimental studies and prediction algorithms are not available or were not evaluated, and the functional significance of this variant is currently unknown. This variant has not been reported in the literature in individuals affected with VHL-related conditions. The frequency data for this variant in the population databases is considered unreliable, as metrics indicate insufficient coverage at this position in the ExAC database. This sequence change falls in intron 1 of the VHL gene. It is not expected to change the encoded amino acid sequence of the VHL protein. However, this sequence change falls within a cryptic exon in the VHL gene, known as exon E1’, which is naturally expressed at low levels in several human tissues (PMID: 29891534).

Literature cited by the submitters: PubMed 29891534.